The following is an entry in ClinVar:

NM_001364905.1(LRBA):c.1829_1831del (p.Arg610_Val611delinsIle)

Gene: LRBA (LPS responsive beige-like anchor protein; minus strand). Cytogenetic location: 4q31.3.
Variant type: Deletion.
Coding change: c.1829_1831del on transcript NM_001364905.1 (MANE Select); coding-DNA positions 1829 to 1831, 3 bases deleted (GAG; older notation c.1829_1831delGAG).
Protein change: p.Arg610_Val611delinsIle.
Molecular consequence: inframe indel.
Genome position (GRCh38, 1-based): chr4:150,900,142-150,900,144, CTC deleted on the plus strand (GAG on the coding strand, the reverse complement: LRBA is on the minus strand). VCF-style (leftmost placement, unchanged base first): chr4-150900141-ACTC-A. GRCh37 (hg19) VCF-style: chr4-151821293-ACTC-A.
Other names: c.1829_1831delGAG, p.Arg610_Val611delinsIle (NM_001199282.3, NM_006726.5); c.1829_1831del, p.Arg610_Val611delinsIle (NM_001367550.1).
Identifiers: ClinVar variation 1003043 (VCV001003043.8), dbSNP rs1730564285, ClinGen allele CA1503670845.

ClinVar aggregate classification (germline): Uncertain significance (1 of 4 stars; one submission).

Conditions:
Combined immunodeficiency due to LRBA deficiency. Also called: Common variable immunodeficiency 8, with autoimmunity. Identifiers: Orphanet 445018, MedGen C3553512, MONDO:0013863, OMIM 614700.

Submission:

Labcorp Genetics (formerly Invitae), Labcorp
Classification: Uncertain significance for Combined immunodeficiency due to LRBA deficiency. Last evaluated: 2020-05-13. Review status: criteria provided, single submitter. Criteria: Invitae Variant Classification Sherloc (09022015). Collection method: clinical testing. Allele origin: germline.
Comment: This variant, c.1829_1831del, results in the replacement of 2 amino acid(s) by 1 amino acid in the LRBA protein (p.Arg610_Val611delinsIle), but otherwise preserves the integrity of the reading frame. In summary, the available evidence is currently insufficient to determine the role of this variant in disease. Therefore, it has been classified as a Variant of Uncertain Significance. Experimental studies and prediction algorithms are not available or were not evaluated, and the functional significance of this variant is currently unknown. This variant has not been reported in the literature in individuals with LRBA-related conditions. This variant is not present in population databases (ExAC no frequency).